The following is an entry in ClinVar:

ClinVar aggregate classification (germline): Conflicting classifications of pathogenicity. Review status: criteria provided, conflicting classifications (1 of 4 stars). 3 submissions from 3 submitters: Uncertain significance (2); Likely benign (1). Last evaluated 2026-06-16.

Conditions:
Hereditary cancer-predisposing syndrome. Also called: Neoplastic Syndromes, Hereditary; Tumor predisposition; Hereditary Cancer Syndrome; Hereditary neoplastic syndrome. Identifiers: Orphanet 140162, MedGen C0027672, MeSH D009386, MONDO:0015356.
Hereditary diffuse gastric adenocarcinoma (HDGC). Also called: DIFFUSE GASTRIC AND LOBULAR BREAST CANCER SYNDROME. Identifiers: Orphanet 26106, MedGen C1708349, MONDO:0007648, OMIM 137215.

Submissions (3):

Ambry Genetics
Classification: Likely benign for Hereditary cancer-predisposing syndrome. Last evaluated: 2026-06-16. Review status: criteria provided, single submitter. Criteria: Ambry Variant Classification Scheme 2023. Collection method: clinical testing. Allele origin: germline.

Labcorp Genetics (formerly Invitae), Labcorp
Classification: Uncertain significance for Hereditary diffuse gastric adenocarcinoma. Last evaluated: 2025-04-23. Review status: criteria provided, single submitter. Criteria: Invitae Variant Classification Sherloc (09022015). Collection method: clinical testing. Allele origin: germline.
Comment: This sequence change replaces arginine, which is basic and polar, with cysteine, which is neutral and slightly polar, at codon 50 of the CDH1 protein (p.Arg50Cys). This variant is not present in population databases (gnomAD no frequency). This variant has not been reported in the literature in individuals affected with CDH1-related conditions. ClinVar contains an entry for this variant (Variation ID: 1172113). An algorithm developed to predict the effect of missense changes on protein structure and function (PolyPhen-2) suggests that this variant is likely to be disruptive. In summary, the available evidence is currently insufficient to determine the role of this variant in disease. Therefore, it has been classified as a Variant of Uncertain Significance.

Color Diagnostics, LLC DBA Color Health
Classification: Uncertain significance for Hereditary cancer-predisposing syndrome. Last evaluated: 2023-12-04. Review status: criteria provided, single submitter. Criteria: ACMG Guidelines, 2015. Collection method: clinical testing. Allele origin: germline.
Comment: This missense variant replaces arginine with cysteine at codon 50 of the CDH1 protein. To our knowledge, functional studies have not been reported for this variant. This variant has not been reported in individuals affected with hereditary cancer in the literature. This variant has not been identified in the general population by the Genome Aggregation Database (gnomAD). The available evidence is insufficient to determine the role of this variant in disease conclusively. Therefore, this variant is classified as a Variant of Uncertain Significance.

NM_004360.5(CDH1):c.148C>T (p.Arg50Cys)

Gene: CDH1 (cadherin 1; plus strand). Cytogenetic location: 16q22.1.
Variant type: single nucleotide variant.
Coding change: c.148C>T on transcript NM_004360.5 (MANE Select); coding-DNA position 148, C replaced by T.
Protein change: p.Arg50Cys; replaces arginine 50 with cysteine.
Molecular consequence: missense variant. On other transcripts: 5 prime UTR variant (2).
Genome position (GRCh38, 1-based): chr16:68,738,396, C>T. VCF-style: chr16-68738396-C-T. GRCh37 (hg19) VCF-style: chr16-68772299-C-T.
Other names: c.148C>T, p.Arg50Cys (NM_001317184.2); c.-1468C>T (NM_001317185.2); c.-1672C>T (NM_001317186.2); short protein forms R50C.
Identifiers: ClinVar variation 1172113 (VCV001172113.12), dbSNP rs876659739, ClinGen allele CA396452278.
Genomic context (GRCh38, chr16:68,738,396, plus strand): 5'-CCTGGCTTTGACGCCGAGAGCTACACGTTCACGGTGCCCCGGCGCCACCTGGAGAGAGGC[C>T]GCGTCCTGGGCAGAGGTGAGGGCGCGCTGCCGGTGTCCCTGGGCGGAGTAGGGAGGGGTT-3'
Protein context (NP_004351.1, residues 40-60): TVPRRHLERG[Arg50Cys]VLGRVNFEDC